The following is an entry in ClinVar:

NM_139058.3(ARX):c.1555_1556insGG (p.Asp519fs)

Gene: ARX (aristaless related homeobox; minus strand). Cytogenetic location: Xp21.3.
Variant type: Insertion.
Coding change: c.1555_1556insGG on transcript NM_139058.3 (MANE Select); coding-DNA positions 1555 to 1556, GG inserted.
Protein change: p.Asp519fs; shifts the reading frame from aspartic acid 519.
Molecular consequence: frameshift variant.
Genome position: GRCh38 VCF-style: chrX-25004803-T-TCC. GRCh37 (hg19) VCF-style: chrX-25022920-T-TCC.
Other names: short protein forms D519fs.
Identifiers: ClinVar variation 641421 (VCV000641421.9), dbSNP rs1601945655, ClinGen allele CA915950801.

ClinVar aggregate classification (germline): Pathogenic (1 of 4 stars; one submission).

Conditions:
Intellectual disability, X-linked, with or without seizures, ARX-related. Also called: MENTAL RETARDATION, X-LINKED 29; MENTAL RETARDATION, X-LINKED 32; MENTAL RETARDATION, X-LINKED 33; MENTAL RETARDATION, X-LINKED 38; MENTAL RETARDATION, X-LINKED 43; MENTAL RETARDATION, X-LINKED 76. Identifiers: Orphanet 777, MedGen C0796244, MONDO:0010317, OMIM 300419.
Developmental and epileptic encephalopathy, 1 (DEE1). Also called: OHTAHARA SYNDROME, X-LINKED; INFANTILE SPASM SYNDROME, X-LINKED 1; X-linked infantile spasms; West's syndrome; Tonic spasms with clustering, arrest of psychomotor development and hypsarrhythmia on EEG; X-Linked Infantile Spasm Syndrome. Identifiers: MedGen C3463992, MONDO:0010632, OMIM 308350. Disease mechanism: loss of function.

Submission:

Labcorp Genetics (formerly Invitae), Labcorp
Classification: Pathogenic for Developmental and epileptic encephalopathy, 1; Intellectual disability, X-linked, with or without seizures, ARX-related. Last evaluated: 2020-07-10. Review status: criteria provided, single submitter. Criteria: Invitae Variant Classification Sherloc (09022015). Collection method: clinical testing. Allele origin: germline.
Comment: This variant disrupts the C-terminus of the ARX protein. Other variant(s) that disrupt this region (p.Arg527Alafs*5) have been determined to be pathogenic (PMID: 31623504). This suggests that variants that disrupt this region of the protein are likely to be causative of disease. This sequence change results in a premature translational stop signal in the ARX gene (p.Asp519Glyfs*15). While this is not anticipated to result in nonsense mediated decay, it is expected to disrupt the last 44 amino acids of the ARX protein. The frequency data for this variant in the population databases is considered unreliable, as metrics indicate insufficient coverage at this position in the ExAC database. This variant has not been reported in the literature in individuals with ARX-related conditions. For these reasons, this variant has been classified as Pathogenic.

Literature cited by the submitters: PubMed 31623504.